The following is an entry in ClinVar:

NM_014639.4(SKIC3):c.1490G>T (p.Cys497Phe)

Gene: SKIC3 (SKI3 subunit of superkiller complex; minus strand). Cytogenetic location: 5q15.
Variant type: single nucleotide variant.
Coding change: c.1490G>T on transcript NM_014639.4 (MANE Select); coding-DNA position 1490, G replaced by T.
Protein change: p.Cys497Phe; replaces cysteine 497 with phenylalanine.
Molecular consequence: missense variant.
Genome position (GRCh38, 1-based): chr5:95,523,797, C>A on the plus strand (G>T on the coding strand, the complement: SKIC3 is on the minus strand). VCF-style: chr5-95523797-C-A. GRCh37 (hg19) VCF-style: chr5-94859501-C-A.
Other names: short protein forms C497F.
Identifiers: ClinVar variation 1982174 (VCV001982174.4), dbSNP rs1291613022, ClinGen allele CA360464146.
Genomic context (GRCh38, chr5:95,523,797, plus strand): 5'-TAACATCCACGAGCTCTGTTTTTATCTCCCACTACGTCTCTATAATAATGACCTAAATAG[C>A]AGAAAACTTTGCCCATATATGTATCCAGTCTTGCAGCCTTTGAAATAAATATTGATAATA-3'
Protein context (NP_055454.1, residues 487-507): RLDTYMGKVF[Cys497Phe]YLGHYYRDVV

ClinVar aggregate classification (germline): Uncertain significance (1 of 4 stars; one submission).

Allele frequency attached by ClinVar (database versions not stated): TOPMed below 0.00001; gnomAD 0.00001; gnomAD exomes 0.00001.
gnomAD v4.1: 12 of 1,613,338 alleles (0.00074%); highest among the groups gnomAD compares: Non-Finnish European, 0.001%; no homozygotes.

Submission:

Labcorp Genetics (formerly Invitae), Labcorp
Classification: Uncertain significance. Last evaluated: 2024-10-22. Review status: criteria provided, single submitter. Criteria: Invitae Variant Classification Sherloc (09022015). Collection method: clinical testing. Allele origin: germline.
Comment: This sequence change replaces cysteine, which is neutral and slightly polar, with phenylalanine, which is neutral and non-polar, at codon 497 of the TTC37 protein (p.Cys497Phe). This variant is not present in population databases (gnomAD no frequency). This variant has not been reported in the literature in individuals affected with TTC37-related conditions. ClinVar contains an entry for this variant (Variation ID: 1982174). An algorithm developed to predict the effect of missense changes on protein structure and function (PolyPhen-2) suggests that this variant is likely to be tolerated. Algorithms developed to predict the effect of sequence changes on RNA splicing suggest that this variant may disrupt the consensus splice site. In summary, the available evidence is currently insufficient to determine the role of this variant in disease. Therefore, it has been classified as a Variant of Uncertain Significance.